The following is an entry in ClinVar:

NM_000384.3(APOB):c.3312C>T (p.Val1104=)

Gene: APOB (apolipoprotein B; minus strand). Cytogenetic location: 2p24.1.
Variant type: single nucleotide variant.
Coding change: c.3312C>T on transcript NM_000384.3 (MANE Select); coding-DNA position 3312, C replaced by T.
Protein change: p.Val1104=; no amino-acid change (valine 1104 retained).
Molecular consequence: synonymous variant.
Genome position (GRCh38, 1-based): chr2:21,016,459, G>A on the plus strand (C>T on the coding strand, the complement: APOB is on the minus strand). VCF-style: chr2-21016459-G-A. GRCh37 (hg19) VCF-style: chr2-21239331-G-A.
Identifiers: ClinVar variation 630324 (VCV000630324.16), dbSNP rs780454824, ClinGen allele CA058477.

ClinVar aggregate classification (germline): Likely benign. Review status: criteria provided, multiple submitters, no conflicts (2 of 4 stars). 3 submissions from 3 submitters: Likely benign (3). Last evaluated 2025-05-22.

Conditions:
Familial hypercholesterolemia. Also called: Familial hypercholesterolemias; Familial hypercholesterolaemia. Identifiers: MedGen C0020445, MONDO:0005439.
Cardiovascular phenotype. Identifiers: MedGen CN230736.
Hypercholesterolemia, autosomal dominant, type B (FHCL2). Also called: APOB-Related Familial Hypercholesterolemia, Autosomal Dominant; Hyperlipoproteinemia Type IIb; Familial Hypercholesterolemia Type B; APOLIPOPROTEIN B-100, FAMILIAL DEFECTIVE; APOLIPOPROTEIN B-100, FAMILIAL LIGAND-DEFECTIVE; Familial hypercholesterolemia 2. Identifiers: MedGen C1704417, MONDO:0007751, OMIM 144010.
Familial hypobetalipoproteinemia 1. Also called: APOB-Related Familial Hypobetalipoproteinemia; Hypobetalipoproteinemia, normotriglyceridemic; Acanthocytosis with hypobetalipoproteinemia. Identifiers: MedGen C4551990, MONDO:0014252, OMIM 615558.

Allele frequency attached by ClinVar (database versions not stated): gnomAD exomes 0.00001 and 0.00002; ExAC 0.00002; TOPMed 0.00002; gnomAD 0.00003.
gnomAD v4.1: 17 of 1,604,884 alleles (0.0011%); highest among the groups gnomAD compares: Middle Eastern, 0.017%; no homozygotes.

Submissions (3):

GENinCode PLC
Classification: Likely benign for Familial hypercholesterolemia. Last evaluated: 2025-05-22. Review status: criteria provided, single submitter. Criteria: ACMG Guidelines, 2015. Collection method: clinical testing. Allele origin: germline.
Comment: This is a synonymous (silent) variant that is not predicted to impact splicing and occurs at a nucleotide which is not highly conserved. This variant has been classified as Likely Benign (BP4, BP7).

Labcorp Genetics (formerly Invitae), Labcorp
Classification: Likely benign for Familial hypobetalipoproteinemia 1; Hypercholesterolemia, autosomal dominant, type B. Last evaluated: 2024-07-22. Review status: criteria provided, single submitter. Criteria: Invitae Variant Classification Sherloc (09022015). Collection method: clinical testing. Allele origin: germline.

Ambry Genetics
Classification: Likely benign for Cardiovascular phenotype. Last evaluated: 2019-07-08. Review status: criteria provided, single submitter. Criteria: Ambry Variant Classification Scheme 2023. Collection method: clinical testing. Allele origin: germline.